The following is an entry in ClinVar:

NM_178452.6(DNAAF1):c.1508C>G (p.Pro503Arg)

Gene: DNAAF1 (dynein axonemal assembly factor 1; plus strand). Cytogenetic location: 16q24.1.
Variant type: single nucleotide variant.
Coding change: c.1508C>G on transcript NM_178452.6 (MANE Select); coding-DNA position 1508, C replaced by G.
Protein change: p.Pro503Arg; replaces proline 503 with arginine.
Molecular consequence: missense variant.
Genome position (GRCh38, 1-based): chr16:84,170,336, C>G. VCF-style: chr16-84170336-C-G. GRCh37 (hg19) VCF-style: chr16-84203942-C-G.
Other names: c.800C>G, p.Pro267Arg (NM_001318756.1); short protein forms P267R, P503R.
Identifiers: ClinVar variation 1498535 (VCV001498535.8), dbSNP rs557532640, ClinGen allele CA8202881.

ClinVar aggregate classification (germline): Uncertain significance (1 of 4 stars; one submission).

Conditions:
Primary ciliary dyskinesia. Also called: Ciliary dyskinesia. Identifiers: Orphanet 244, MedGen C0008780, MONDO:0016575, HP:0012265.

gnomAD v4.1: 2 of 1,613,866 alleles (0.00012%); highest among the groups gnomAD compares: African/African-American, 0.0013%; no homozygotes.

Submission:

Labcorp Genetics (formerly Invitae), Labcorp
Classification: Uncertain significance for Primary ciliary dyskinesia. Last evaluated: 2021-03-22. Review status: criteria provided, single submitter. Criteria: Invitae Variant Classification Sherloc (09022015). Collection method: clinical testing. Allele origin: germline.
Comment: This sequence change replaces proline with arginine at codon 503 of the DNAAF1 protein (p.Pro503Arg). The proline residue is weakly conserved and there is a moderate physicochemical difference between proline and arginine. The frequency data for this variant in the population databases is considered unreliable, as metrics indicate poor data quality at this position in the ExAC database. In summary, the available evidence is currently insufficient to determine the role of this variant in disease. Therefore, it has been classified as a Variant of Uncertain Significance. Algorithms developed to predict the effect of missense changes on protein structure and function (SIFT, PolyPhen-2, Align-GVGD) all suggest that this variant is likely to be tolerated, but these predictions have not been confirmed by published functional studies and their clinical significance is uncertain. This variant has not been reported in the literature in individuals with DNAAF1-related conditions.